The following is an entry in ClinVar:

NM_018100.4(EFHC1):c.943A>T (p.Ile315Phe)

Gene: EFHC1 (EF-hand domain containing 1; plus strand). Cytogenetic location: 6p12.2.
Variant type: single nucleotide variant.
Coding change: c.943A>T on transcript NM_018100.4 (MANE Select); coding-DNA position 943, A replaced by T.
Protein change: p.Ile315Phe; replaces isoleucine 315 with phenylalanine.
Molecular consequence: missense variant. On other transcripts: non-coding transcript variant (1).
Genome position (GRCh38, 1-based): chr6:52,464,921, A>T. VCF-style: chr6-52464921-A-T. GRCh37 (hg19) VCF-style: chr6-52329719-A-T.
Other names: c.886A>T, p.Ile296Phe (NM_001172420.2); short protein forms I315F, I296F.
Identifiers: ClinVar variation 383453 (VCV000383453.5), dbSNP rs1057521631, ClinGen allele CA16605059.
Genomic context (GRCh38, chr6:52,464,921, plus strand): 5'-TTCTTTTTTTCTCTCTAACACCATCTTATATTAGAGAACTTCCCTCAGTGTGTGCTAGAA[A>T]TCTCTGACCAAGAAGTGTTGGAATGGTATACTGCTAAAGACTTCATTGTTGGGAAGTCAC-3'
Protein context (NP_060570.2, residues 305-325): AKNFPQCVLE[Ile315Phe]SDQEVLEWYT

ClinVar aggregate classification (germline): Uncertain significance. Review status: criteria provided, multiple submitters, no conflicts (2 of 4 stars). 2 submissions from 2 submitters: Uncertain significance (2). Last evaluated 2024-10-30.

Conditions:
Absence seizure. Also called: Absence epilepsy. Identifiers: Orphanet 1941, MedGen C0014553.

Submissions (2):

GeneDx
Classification: Uncertain significance. Last evaluated: 2024-10-30. Review status: criteria provided, single submitter. Criteria: GeneDx Variant Classification Process June 2021. Collection method: clinical testing. Allele origin: germline. Affected: yes.
Comment: De novo variant with confirmed parentage in a patient in published literature from a cohort of individuals with developmental disorders; however, detailed clinical information was not provided and other variants were present in the proband (PMID: 33057194); Not observed at significant frequency in large population cohorts (gnomAD); In silico analysis supports that this missense variant has a deleterious effect on protein structure/function; Variants in candidate genes are classified as variants of uncertain significance in accordance with ACMG guidelines (PMID: 25741868); This variant is associated with the following publications: (PMID: 35982159, 18823326, 33057194)

Baylor Genetics
Classification: Uncertain significance for Epilepsy, juvenile absence, susceptibility to, 1. Last evaluated: 2021-11-24. Review status: criteria provided, single submitter. Criteria: ACMG Guidelines, 2015. Collection method: clinical testing. Allele origin: unknown.